The following is an entry in ClinVar:

NM_000701.8(ATP1A1):c.1549C>T (p.Arg517Cys)

Genes: ATP1A1 (ATPase Na+/K+ transporting subunit alpha 1; plus strand), ATP1A1-AS1 (ATP1A1 antisense RNA 1; minus strand). Cytogenetic location: 1p13.1.
Variant type: single nucleotide variant.
Coding change: c.1549C>T on transcript NM_000701.8 (MANE Select); coding-DNA position 1549, C replaced by T.
Protein change: p.Arg517Cys; replaces arginine 517 with cysteine.
Molecular consequence: missense variant.
Genome position (GRCh38, 1-based): chr1:116,393,612, C>T. VCF-style: chr1-116393612-C-T. GRCh37 (hg19) VCF-style: chr1-116936234-C-T.
Other names: c.1549C>T, p.Arg517Cys (NM_001160233.2); c.1456C>T, p.Arg486Cys (NM_001160234.2); short protein forms R517C, R486C.
Identifiers: ClinVar variation 2794414 (VCV002794414.11), dbSNP rs574791429, ClinGen allele CA341771037.
Genomic context (GRCh38, chr1:116,393,612, plus strand): 5'-AACACATCGGAGCCCCAACACCTGTTGGTGATGAAGGGCGCCCCAGAAAGGATCCTAGAC[C>T]GTTGCAGCTCTATCCTCCTCCACGGCAAGGAGCAGCCCCTGGATGAGGAGCTGAAAGACG-3'
Protein context (NP_000692.2, residues 507-527): MKGAPERILD[Arg517Cys]CSSILLHGKE

ClinVar aggregate classification (germline): Uncertain significance. Review status: criteria provided, multiple submitters, no conflicts (2 of 4 stars). 2 submissions from 2 submitters: Uncertain significance (2). Last evaluated 2025-08-01.

gnomAD v4.1: 16 of 1,614,060 alleles (0.00099%); highest among the groups gnomAD compares: Middle Eastern, 0.016%; no homozygotes.

Submissions (2):

CeGaT Center for Human Genetics Tuebingen
Classification: Uncertain significance. Last evaluated: 2025-08-01. Review status: criteria provided, single submitter. Criteria: CeGaT Center For Human Genetics Tuebingen Variant Classification Criteria Version 2. Collection method: clinical testing. Allele origin: germline. Affected: yes. Observed: 1 variant allele.
Comment: ATP1A1: PP3

Labcorp Genetics (formerly Invitae), Labcorp
Classification: Uncertain significance. Last evaluated: 2025-03-15. Review status: criteria provided, single submitter. Criteria: Invitae Variant Classification Sherloc (09022015). Collection method: clinical testing. Allele origin: germline.
Comment: This sequence change replaces arginine, which is basic and polar, with cysteine, which is neutral and slightly polar, at codon 517 of the ATP1A1 protein (p.Arg517Cys). This variant is present in population databases (no rsID available, gnomAD 0.006%). This variant has not been reported in the literature in individuals affected with ATP1A1-related conditions. ClinVar contains an entry for this variant (Variation ID: 2794414). Invitae Evidence Modeling of protein sequence and biophysical properties (such as structural, functional, and spatial information, amino acid conservation, physicochemical variation, residue mobility, and thermodynamic stability) has been performed for this missense variant. However, the output from this modeling did not meet the statistical confidence thresholds required to predict the impact of this variant on ATP1A1 protein function. In summary, the available evidence is currently insufficient to determine the role of this variant in disease. Therefore, it has been classified as a Variant of Uncertain Significance.